The following is an entry in ClinVar:

NM_145059.3(FCSK):c.2977AAG[1] (p.Lys994del)

Gene: FCSK (fucose kinase; plus strand). Cytogenetic location: 16q22.1.
Variant type: Microsatellite.
Coding change: c.2977AAG[1] on transcript NM_145059.3 (MANE Select); one copy of the 3-base unit AAG starting at c.2977; the reference has two copies in a row; one copy, 3 bases deleted.
Protein change: p.Lys994del; deletes lysine 994.
Molecular consequence: inframe deletion.
Genome position (GRCh38, 1-based): chr16:70,479,230-70,479,232, AAG deleted; deleting any 3 consecutive bases within chr16:70,479,225-70,479,232 gives the same sequence; the position shown is the placement nearest the transcript's 3' end. VCF-style (leftmost placement, unchanged base first): chr16-70479224-CAGA-C. GRCh37 (hg19) VCF-style: chr16-70513127-CAGA-C.
Other names: short protein forms K994del.
Identifiers: ClinVar variation 2415776 (VCV002415776.6), dbSNP rs780537958, ClinGen allele CA8143835.

ClinVar aggregate classification (germline): Uncertain significance (1 of 4 stars; one submission).

Submission:

Labcorp Genetics (formerly Invitae), Labcorp
Classification: Uncertain significance. Last evaluated: 2026-01-19. Review status: criteria provided, single submitter. Criteria: Invitae Variant Classification Sherloc (09022015). Collection method: clinical testing. Allele origin: germline.
Comment: This variant, c.2980_2982del, results in the deletion of 1 amino acid(s) of the FUK protein (p.Lys994del), but otherwise preserves the integrity of the reading frame. This variant is present in population databases (rs780537958, gnomAD 0.03%). This variant has not been reported in the literature in individuals affected with FUK-related conditions. Experimental studies and prediction algorithms are not available or were not evaluated, and the functional significance of this variant is currently unknown. In summary, the available evidence is currently insufficient to determine the role of this variant in disease. Therefore, it has been classified as a Variant of Uncertain Significance.